The following is an entry in ClinVar:

NM_000038.6(APC):c.7411C>G (p.Pro2471Ala)

Gene: APC (APC regulator of Wnt signaling pathway; plus strand). Cytogenetic location: 5q22.2.
Variant type: single nucleotide variant.
Coding change: c.7411C>G on transcript NM_000038.6 (MANE Select); coding-DNA position 7411, C replaced by G.
Protein change: p.Pro2471Ala; replaces proline 2471 with alanine.
Molecular consequence: missense variant.
Genome position (GRCh38, 1-based): chr5:112,843,005, C>G. VCF-style: chr5-112843005-C-G. GRCh37 (hg19) VCF-style: chr5-112178702-C-G.
Other names: c.7411C>G, p.Pro2471Ala (NM_001127510.3, NM_001354895.2); c.7357C>G, p.Pro2453Ala (NM_001127511.3); c.7465C>G, p.Pro2489Ala (NM_001354896.2); c.7441C>G, p.Pro2481Ala (NM_001354897.2); c.7336C>G, p.Pro2446Ala (NM_001354898.2); c.7327C>G, p.Pro2443Ala (NM_001354899.2); c.7288C>G, p.Pro2430Ala (NM_001354900.2); c.7234C>G, p.Pro2412Ala (NM_001354901.2); and 5 more; short protein forms P2471A, P2453A, P2188A, P2380A, P2430A, P2311A, P2370A, P2412A.
Identifiers: ClinVar variation 631152 (VCV000631152.21), dbSNP rs1324082067, ClinGen allele CA16037463.

ClinVar aggregate classification (germline): Uncertain significance. Review status: criteria provided, multiple submitters, no conflicts (2 of 4 stars). 5 submissions from 5 submitters: Uncertain significance (5). Last evaluated 2025-10-27.

Conditions:
Classic or attenuated familial adenomatous polyposis. Identifiers: MedGen CN372698, MONDO:0021057.
Hereditary cancer-predisposing syndrome. Also called: Tumor predisposition; Neoplastic Syndromes, Hereditary; Hereditary neoplastic syndrome; Hereditary Cancer Syndrome. Identifiers: Orphanet 140162, MedGen C0027672, MeSH D009386, MONDO:0015356.
Familial adenomatous polyposis 1 (FAP1). Also called: POLYPOSIS, ADENOMATOUS INTESTINAL; FAMILIAL ADENOMATOUS POLYPOSIS 1, ATTENUATED. Identifiers: MedGen C2713442, MONDO:0021056, OMIM 175100. Disease mechanism: loss of function.

Allele frequency attached by ClinVar (database versions not stated): TOPMed below 0.00001.
gnomAD v4.1: 2 of 1,613,976 alleles (0.00012%); highest among the groups gnomAD compares: Non-Finnish European, 0.00017%; no homozygotes.

Submissions (5):

Labcorp Genetics (formerly Invitae), Labcorp
Classification: Uncertain significance for Familial adenomatous polyposis 1. Last evaluated: 2025-10-27. Review status: criteria provided, single submitter. Criteria: Invitae Variant Classification Sherloc (09022015). Collection method: clinical testing. Allele origin: germline.
Comment: This sequence change replaces proline, which is neutral and non-polar, with alanine, which is neutral and non-polar, at codon 2471 of the APC protein (p.Pro2471Ala). This variant is not present in population databases (gnomAD no frequency). This variant has not been reported in the literature in individuals affected with APC-related conditions. ClinVar contains an entry for this variant (Variation ID: 631152). Invitae Evidence Modeling of protein sequence and biophysical properties (such as structural, functional, and spatial information, amino acid conservation, physicochemical variation, residue mobility, and thermodynamic stability) indicates that this missense variant is not expected to disrupt APC protein function with a negative predictive value of 95%. In summary, the available evidence is currently insufficient to determine the role of this variant in disease. Therefore, it has been classified as a Variant of Uncertain Significance.

All of Us Research Program, National Institutes of Health
Classification: Uncertain significance for Classic or attenuated familial adenomatous polyposis. Last evaluated: 2024-02-05. Review status: criteria provided, single submitter. Criteria: ACMG Guidelines, 2015. Collection method: clinical testing. Allele origin: germline. Inheritance: Autosomal dominant inheritance. Observed: 1 variant allele, 1 heterozygote.
Comment: This missense variant replaces proline with alanine at codon 2471 of the APC protein. Computational prediction suggests that this variant may not impact protein structure and function (internally defined REVEL score threshold <= 0.5, PMID: 27666373). To our knowledge, functional studies have not been reported for this variant. This variant has not been reported in individuals affected with APC-related disorders in the literature. This variant has not been identified in the general population by the Genome Aggregation Database (gnomAD). The available evidence is insufficient to determine the role of this variant in disease conclusively. Therefore, this variant is classified as a Variant of Uncertain Significance.

This study involves interpretation of variants in research participants for the purpose of population health screening. Participant phenotype was not available at the time of variant classification. Additional details can be found in publication PMID: 35346344, PMCID: PMC8962531

Ambry Genetics
Classification: Uncertain significance for Hereditary cancer-predisposing syndrome. Last evaluated: 2024-01-04. Review status: criteria provided, single submitter. Criteria: Ambry Variant Classification Scheme 2023. Collection method: clinical testing. Allele origin: germline.
Comment: The p.P2471A variant (also known as c.7411C>G), located in coding exon 15 of the APC gene, results from a C to G substitution at nucleotide position 7411. The proline at codon 2471 is replaced by alanine, an amino acid with highly similar properties. This amino acid position is highly conserved in available vertebrate species. In addition, in silico predictors for this gene do not accurately predict pathogenicity. Since supporting evidence is limited at this time, the clinical significance of this alteration remains unclear.

Color Diagnostics, LLC DBA Color Health
Classification: Uncertain significance for Hereditary cancer-predisposing syndrome. Last evaluated: 2023-12-05. Review status: criteria provided, single submitter. Criteria: ACMG Guidelines, 2015. Collection method: clinical testing. Allele origin: germline.
Comment: This missense variant replaces proline with alanine at codon 2471 of the APC protein. Computational prediction suggests that this variant may not impact protein structure and function (internally defined REVEL score threshold <= 0.5, PMID: 27666373). To our knowledge, functional studies have not been reported for this variant. This variant has not been reported in individuals affected with APC-related disorders in the literature. This variant has not been identified in the general population by the Genome Aggregation Database (gnomAD). The available evidence is insufficient to determine the role of this variant in disease conclusively. Therefore, this variant is classified as a Variant of Uncertain Significance.

Quest Diagnostics Nichols Institute San Juan Capistrano
Classification: Uncertain significance. Last evaluated: 2019-01-16. Review status: criteria provided, single submitter. Criteria: Quest Diagnostics criteria. Collection method: clinical testing. Allele origin: germline.